The following is an entry in ClinVar:

NM_006445.4(PRPF8):c.725C>G (p.Ala242Gly)

Gene: PRPF8 (pre-mRNA processing factor 8; minus strand). Cytogenetic location: 17p13.3.
Variant type: single nucleotide variant.
Coding change: c.725C>G on transcript NM_006445.4 (MANE Select); coding-DNA position 725, C replaced by G.
Protein change: p.Ala242Gly; replaces alanine 242 with glycine.
Molecular consequence: missense variant.
Genome position (GRCh38, 1-based): chr17:1,681,619, G>C on the plus strand (C>G on the coding strand, the complement: PRPF8 is on the minus strand). VCF-style: chr17-1681619-G-C. GRCh37 (hg19) VCF-style: chr17-1584913-G-C.
Other names: short protein forms A242G.
Identifiers: ClinVar variation 4077353 (VCV004077353.1).
Genomic context (GRCh38, chr17:1,681,619, plus strand): 5'-GCCTTCAAATCAAACAGGTAGAAGTAGTTGTCATCCACCAAGTCTGTCAGGAGCTGATTA[G>C]CCAGGCGGTAGAGAGTCGACATCATAGGTAGTGTGAACTGCCAGCGCTGGTAAGTGGAGC-3'
Protein context (NP_006436.3, residues 232-252): LPMMSTLYRL[Ala242Gly]NQLLTDLVDD

ClinVar aggregate classification (germline): Uncertain significance (1 of 4 stars; one submission).

Submission:

GeneDx
Classification: Uncertain significance. Last evaluated: 2025-02-28. Review status: criteria provided, single submitter. Criteria: GeneDx Variant Classification Process June 2021. Collection method: clinical testing. Allele origin: germline. Affected: yes.
Comment: Not observed at significant frequency in large population cohorts (gnomAD); In silico analysis indicates that this missense variant does not alter protein structure/function; Has not been previously published as pathogenic or benign to our knowledge